The following is an entry in ClinVar:

ClinVar aggregate classification (germline): Pathogenic. Review status: criteria provided, single submitter (1 of 4 stars). 2 submissions from 2 submitters: Pathogenic (1). 1 of the submissions does not count toward it. Last evaluated 2017-02-28.

Conditions:
Inborn genetic diseases. Identifiers: MedGen C0950123, MeSH D030342.
Rubinstein-Taybi syndrome due to CREBBP mutations (RSTS1). Also called: RUBINSTEIN SYNDROME; RUBINSTEIN-TAYBI SYNDROME 1, INCOMPLETE; Rubinstein-Taybi syndrome 1; CREBBP-Related Rubinstein-Taybi Syndrome; BROAD THUMB-HALLUX SYNDROME; BROAD THUMBS AND GREAT TOES, CHARACTERISTIC FACIES, AND IMPAIRED INTELLECTUAL DEVELOPMENT. Identifiers: Orphanet 353277, Orphanet 783, MedGen C4551859, MONDO:0008393, OMIM 180849.

Submissions (2):

Ambry Genetics
Classification: Pathogenic for Inborn genetic diseases. Last evaluated: 2017-02-28. Review status: criteria provided, single submitter. Criteria: Ambry Variant Classification Scheme 2023. Collection method: clinical testing. Allele origin: germline.
Comment: The p.Q1209* pathogenic mutation (also known as c.3625C>T), located in coding exon 19 of the CREBBP gene, results from a C to T substitution at nucleotide position 3625. This changes the amino acid from a glutamine to a stop codon within coding exon 19. This alteration is expected to result in loss of function by premature protein truncation or nonsense-mediated mRNA decay. As such, this alteration is interpreted as a disease-causing mutation.

Wessex Regional Genetics Laboratory, Salisbury District Hospital
Classification: Pathogenic for Rubinstein-Taybi syndrome due to CREBBP mutations. Last evaluated: 2019-11-05. Review status: no assertion criteria provided. Criteria: ACMG Guidelines, 2015. Collection method: clinical testing. Allele origin: de novo. Inheritance: Autosomal dominant inheritance. Affected: yes. Not counted in ClinVar's aggregate classification.

NM_004380.3(CREBBP):c.3625C>T (p.Gln1209Ter)

Gene: CREBBP (CREB binding lysine acetyltransferase; minus strand). Cytogenetic location: 16p13.3.
Variant type: single nucleotide variant.
Coding change: c.3625C>T on transcript NM_004380.3 (MANE Select); coding-DNA position 3625, C replaced by T.
Protein change: p.Gln1209Ter; replaces glutamine 1209 with a stop codon.
Molecular consequence: nonsense.
Genome position (GRCh38, 1-based): chr16:3,757,361, G>A on the plus strand (C>T on the coding strand, the complement: CREBBP is on the minus strand). VCF-style: chr16-3757361-G-A. GRCh37 (hg19) VCF-style: chr16-3807362-G-A.
Other names: c.3511C>T, p.Gln1171Ter (NM_001079846.1); short protein forms Q1171*, Q1209*.
Identifiers: ClinVar variation 694814 (VCV000694814.3), dbSNP rs1596852578, ClinGen allele CA394568487.
Genomic context (GRCh38, chr16:3,757,361, plus strand): 5'-TGTAGTAGGCAGCATCGCGAGGAATGGTACACAGCTGCTTCCCATAGCAGCACAAAGTCT[G>A]TGGGGAAAACTCATACTGCAAAAATAAAGGAGAAATACTTTTATATAAAAATACATTCCA-3'